The following is an entry in ClinVar:

NM_006412.4(AGPAT2):c.299G>A (p.Ser100Asn)

Gene: AGPAT2 (1-acylglycerol-3-phosphate O-acyltransferase 2; minus strand). Cytogenetic location: 9q34.3.
Variant type: single nucleotide variant.
Coding change: c.299G>A on transcript NM_006412.4 (MANE Select); coding-DNA position 299, G replaced by A.
Protein change: p.Ser100Asn; replaces serine 100 with asparagine.
Molecular consequence: missense variant.
Genome position (GRCh38, 1-based): chr9:136,677,440, C>T on the plus strand (G>A on the coding strand, the complement: AGPAT2 is on the minus strand). VCF-style: chr9-136677440-C-T. GRCh37 (hg19) VCF-style: chr9-139571892-C-T.
Other names: c.299G>A, p.Ser100Asn (NM_001012727.2); short protein forms S100N.
Identifiers: ClinVar variation 372105 (VCV000372105.6), dbSNP rs764260414, ClinGen allele CA5343086.

ClinVar aggregate classification (germline): Conflicting classifications of pathogenicity. Review status: criteria provided, conflicting classifications (1 of 4 stars). 3 submissions from 3 submitters: Pathogenic (1); Uncertain significance (1). 1 of the submissions does not count toward it. Last evaluated 2026-08-06.

Conditions:
Congenital generalized lipodystrophy type 1 (CGL1). Also called: Berardinelli-Seip Congenital Lipodystrophy Type 1; BRUNZELL SYNDROME, AGPAT2-RELATED. Identifiers: Orphanet 528, Orphanet 696189, MedGen C1720862, MONDO:0012071, OMIM 608594.

Allele frequency attached by ClinVar (database versions not stated): ExAC 0.00001; gnomAD exomes below 0.00001 and 0.00001; TOPMed 0.00001; gnomAD 0.00001.

Submissions (3):

OLLIN Analises Genomicas, OLLIN
Classification: Uncertain significance for Congenital generalized lipodystrophy type 1. Last evaluated: 2026-08-06. Review status: criteria provided, single submitter. Criteria: ACMG Guidelines 2015 PMID 25741868. Collection method: clinical testing. Allele origin: germline. Inheritance: Autosomal recessive inheritance.
Comment: This missense variant, located in exon 2 (of 6), has been reported in ClinVar (accession VCV000372105.5) and in gnomAD with an allele frequency of 0.00056%. However, to our knowledge, it has not been reported in the scientific literature. In silico analysis predicts that this variant has a deleterious effect. According to the currently available evidence, this variant has been classified as uncertain significance (PM2_P, PP3).

Unidad de Genómica Médica UC, Pontificia Universidad Católica de Chile
Classification: Pathogenic for Congenital generalized lipodystrophy type 1. Last evaluated: 2013-03-04. Review status: criteria provided, single submitter. Criteria: CortÃ©s et al. (PLoS One. 2014). Collection method: research. Allele origin: germline. Inheritance: Autosomal recessive inheritance. Affected: yes. Observed: 2 homozygotes. Clinical features observed: Congenital generalized lipodystrophy (HP:0009059).
Comment: Congenital generalized lipodystrophy (CGL) is a rare autosomal recessive disorder characterized by extreme reduction of white adipose tissue (WAT) mass. CGL type 1 is the most frequent form and is caused by mutations in AGPAT2. Genetic and clinical studies were performed in two affected sisters of a Chilean family. These patients have notoriously dissimilar metabolic abnormalities that correlate with differential levels of circulating leptin and soluble leptin receptor fraction. Sequencing of AGPAT2 exons and exon-intron boundaries revealed two homozygous mutations in both sisters. Missense mutation c.299G>A changes a conserved serine in the acyltransferase NHX4D motif of AGPAT2 (p.Ser100Asn). In silico protein modeling provided insights of the mechanisms of lack of catalytic activity owing to both mutations.

GeneReviews
No classification provided. Condition: Congenital generalized lipodystrophy type 1. Review status: no classification provided. Collection method: literature only. Allele origin: germline. Affected: yes. Not counted in ClinVar's aggregate classification.

Literature cited by the submitters: NCBI Bookshelf NBK1212 (cited by GeneReviews).